The following is an entry in ClinVar:

NM_005502.4(ABCA1):c.5038C>A (p.Arg1680=)

Gene: ABCA1 (ATP binding cassette subfamily A member 1; minus strand). Cytogenetic location: 9q31.1.
Variant type: single nucleotide variant.
Coding change: c.5038C>A on transcript NM_005502.4 (MANE Select); coding-DNA position 5038, C replaced by A.
Protein change: p.Arg1680=; no amino-acid change (arginine 1680 retained).
Molecular consequence: synonymous variant.
Genome position (GRCh38, 1-based): chr9:104,798,504, G>T on the plus strand (C>A on the coding strand, the complement: ABCA1 is on the minus strand). VCF-style: chr9-104798504-G-T. GRCh37 (hg19) VCF-style: chr9-107560785-G-T.
Other names: c.5038C>A (NM_005502.3).
Identifiers: ClinVar variation 3609897 (VCV003609897.5).

ClinVar aggregate classification (germline): Likely benign. Review status: criteria provided, multiple submitters, no conflicts (2 of 4 stars). 4 submissions from 4 submitters: Likely benign (4). Last evaluated 2026-05-05.

Conditions:
ABCA1-related disorder. Also called: ABCA1-related condition; ABCA1-related disorders. Identifiers: MedGen CN239173.
Cardiovascular phenotype. Identifiers: MedGen CN230736.

gnomAD v4.1: 18 of 1,614,076 alleles (0.0011%); highest among the groups gnomAD compares: Non-Finnish European, 0.0015%; no homozygotes.

Submissions (4):

PreventionGenetics, part of Exact Sciences
Classification: Likely benign for ABCA1-related condition. Last evaluated: 2026-05-05. Review status: criteria provided, single submitter. Criteria: ACMG Guidelines, 2015. Collection method: clinical testing. Allele origin: germline.
Comment: This variant is classified as likely benign based on ACMG/AMP sequence variant interpretation guidelines (Richards et al. 2015 PMID: 25741868, with internal and published modifications).

Ambry Genetics
Classification: Likely benign for Cardiovascular phenotype. Last evaluated: 2025-06-15. Review status: criteria provided, single submitter. Criteria: Ambry Variant Classification Scheme 2023. Collection method: clinical testing. Allele origin: germline.

Labcorp Genetics (formerly Invitae), Labcorp
Classification: Likely benign. Last evaluated: 2024-08-20. Review status: criteria provided, single submitter. Criteria: Invitae Variant Classification Sherloc (09022015). Collection method: clinical testing. Allele origin: germline.

Blueprint Genetics
Classification: Likely benign. Last evaluated: 2022-05-27. Review status: criteria provided, single submitter. Criteria: ACMG Guidelines, 2015. Collection method: clinical testing. Allele origin: germline.